The following is an entry in ClinVar:

NM_020702.5(MYORG):c.1870G>A (p.Gly624Ser)

Gene: MYORG (myogenesis regulating glycosidase; minus strand). Cytogenetic location: 9p13.3.
Variant type: single nucleotide variant.
Coding change: c.1870G>A on transcript NM_020702.5 (MANE Select); coding-DNA position 1870, G replaced by A.
Protein change: p.Gly624Ser; replaces glycine 624 with serine.
Molecular consequence: missense variant.
Genome position (GRCh38, 1-based): chr9:34,371,074, C>T on the plus strand (G>A on the coding strand, the complement: MYORG is on the minus strand). VCF-style: chr9-34371074-C-T. GRCh37 (hg19) VCF-style: chr9-34371072-C-T.
Other names: c.1870G>A (NM_020702.3); short protein forms G624S.
Identifiers: ClinVar variation 1681285 (VCV001681285.6), dbSNP rs376906219, ClinGen allele CA5032813.

ClinVar aggregate classification (germline): Uncertain significance. Review status: criteria provided, multiple submitters, no conflicts (2 of 4 stars). 2 submissions from 2 submitters: Uncertain significance (2). Last evaluated 2025-08-29.

Allele frequency attached by ClinVar (database versions not stated): TOPMed 0.00008; gnomAD 0.00010 and 0.00011; gnomAD exomes 0.00012; ExAC 0.00014; ESP Exome Variant Server 0.00025.
gnomAD v4.1: 183 of 1,611,004 alleles (0.011%); highest among the groups gnomAD compares: Non-Finnish European, 0.013%; 1 homozygote.

Submissions (2):

Labcorp Genetics (formerly Invitae), Labcorp
Classification: Uncertain significance. Last evaluated: 2025-08-29. Review status: criteria provided, single submitter. Criteria: Invitae Variant Classification Sherloc (09022015). Collection method: clinical testing. Allele origin: germline.
Comment: This sequence change replaces glycine, which is neutral and non-polar, with serine, which is neutral and polar, at codon 624 of the KIAA1161 protein (p.Gly624Ser). This variant is present in population databases (rs376906219, gnomAD 0.04%). This variant has not been reported in the literature in individuals affected with KIAA1161-related conditions. ClinVar contains an entry for this variant (Variation ID: 1681285). Invitae Evidence Modeling of protein sequence and biophysical properties (such as structural, functional, and spatial information, amino acid conservation, physicochemical variation, residue mobility, and thermodynamic stability) indicates that this missense variant is not expected to disrupt KIAA1161 protein function with a negative predictive value of 80%. In summary, the available evidence is currently insufficient to determine the role of this variant in disease. Therefore, it has been classified as a Variant of Uncertain Significance.

Ambry Genetics
Classification: Uncertain significance. Last evaluated: 2023-06-14. Review status: criteria provided, single submitter. Criteria: Ambry Variant Classification Scheme 2023. Collection method: clinical testing. Allele origin: germline.